The following is an entry in ClinVar:

NM_016169.4(SUFU):c.497C>T (p.Pro166Leu)

Gene: SUFU (SUFU negative regulator of hedgehog signaling; plus strand). Cytogenetic location: 10q24.32.
Variant type: single nucleotide variant.
Coding change: c.497C>T on transcript NM_016169.4 (MANE Select); coding-DNA position 497, C replaced by T.
Protein change: p.Pro166Leu; replaces proline 166 with leucine.
Molecular consequence: missense variant.
Genome position (GRCh38, 1-based): chr10:102,592,624, C>T. VCF-style: chr10-102592624-C-T. GRCh37 (hg19) VCF-style: chr10-104352381-C-T.
Other names: c.497C>T, p.Pro166Leu (NM_001178133.2); short protein forms P166L.
Identifiers: ClinVar variation 3756403 (VCV003756403.2).

ClinVar aggregate classification (germline): Uncertain significance (1 of 4 stars; one submission).

Conditions:
Gorlin syndrome. Also called: Nevoid Basal Cell Carcinoma Syndrome; Basal cell nevus syndrome. Identifiers: Orphanet 377, MedGen C0004779, MONDO:0007187.
Medulloblastoma (MDB). Also called: Medulloblastoma, somatic; MEDULLOBLASTOMA PREDISPOSITION SYNDROME. Identifiers: Orphanet 616, MedGen C0025149, MeSH D008527, MONDO:0007959, OMIM 155255, HP:0002885.

Submission:

Labcorp Genetics (formerly Invitae), Labcorp
Classification: Uncertain significance for Gorlin syndrome; Medulloblastoma. Last evaluated: 2025-07-31. Review status: criteria provided, single submitter. Criteria: Invitae Variant Classification Sherloc (09022015). Collection method: clinical testing. Allele origin: germline.
Comment: This sequence change replaces proline, which is neutral and non-polar, with leucine, which is neutral and non-polar, at codon 166 of the SUFU protein (p.Pro166Leu). This variant is not present in population databases (gnomAD no frequency). This variant has not been reported in the literature in individuals affected with SUFU-related conditions. ClinVar contains an entry for this variant (Variation ID: 3756403). Invitae Evidence Modeling of protein sequence and biophysical properties (such as structural, functional, and spatial information, amino acid conservation, physicochemical variation, residue mobility, and thermodynamic stability) indicates that this missense variant is not expected to disrupt SUFU protein function with a negative predictive value of 80%. In summary, the available evidence is currently insufficient to determine the role of this variant in disease. Therefore, it has been classified as a Variant of Uncertain Significance.